The following is an entry in ClinVar:

NM_033004.4(NLRP1):c.4111T>A (p.Ser1371Thr)

Gene: NLRP1 (NLR family pyrin domain containing 1; minus strand). Cytogenetic location: 17p13.2.
Variant type: single nucleotide variant.
Coding change: c.4111T>A on transcript NM_033004.4 (MANE Select); coding-DNA position 4111, T replaced by A.
Protein change: p.Ser1371Thr; replaces serine 1371 with threonine.
Molecular consequence: missense variant. On other transcripts: intron variant (1).
Genome position (GRCh38, 1-based): chr17:5,515,065, A>T on the plus strand (T>A on the coding strand, the complement: NLRP1 is on the minus strand). VCF-style: chr17-5515065-A-T. GRCh37 (hg19) VCF-style: chr17-5418385-A-T.
Other names: c.3979T>A, p.Ser1327Thr (NM_014922.5); c.4021T>A, p.Ser1341Thr (NM_033006.4); c.3889T>A, p.Ser1297Thr (NM_033007.4); c.4069+2681T>A (NM_001033053.3); short protein forms S1297T, S1327T, S1341T, S1371T.
Identifiers: ClinVar variation 1004302 (VCV001004302.6), dbSNP rs775960305, ClinGen allele CA8326624.

ClinVar aggregate classification (germline): Uncertain significance (1 of 4 stars; one submission).

Allele frequency attached by ClinVar (database versions not stated): gnomAD 0.00001; gnomAD exomes 0.00001 and 0.00002; TOPMed 0.00002; ExAC 0.00003.
gnomAD v4.1: 16 of 1,613,556 alleles (0.00099%); highest among the groups gnomAD compares: Admixed American, 0.0083%; no homozygotes.

Submission:

Labcorp Genetics (formerly Invitae), Labcorp
Classification: Uncertain significance. Last evaluated: 2026-01-13. Review status: criteria provided, single submitter. Criteria: Invitae Variant Classification Sherloc (09022015). Collection method: clinical testing. Allele origin: germline.
Comment: This sequence change replaces serine, which is neutral and polar, with threonine, which is neutral and polar, at codon 1371 of the NLRP1 protein (p.Ser1371Thr). This variant is present in population databases (rs775960305, gnomAD 0.009%). This variant has not been reported in the literature in individuals affected with NLRP1-related conditions. ClinVar contains an entry for this variant (Variation ID: 1004302). An algorithm developed to predict the effect of missense changes on protein structure and function (PolyPhen-2) suggests that this variant is likely to be tolerated. In summary, the available evidence is currently insufficient to determine the role of this variant in disease. Therefore, it has been classified as a Variant of Uncertain Significance.